The following is an entry in ClinVar:

NM_001291303.3(FAT4):c.12589A>G (p.Lys4197Glu)

Gene: FAT4 (FAT atypical cadherin 4; plus strand). Cytogenetic location: 4q28.1.
Variant type: single nucleotide variant.
Coding change: c.12589A>G on transcript NM_001291303.3 (MANE Select); coding-DNA position 12589, A replaced by G.
Protein change: p.Lys4197Glu; replaces lysine 4197 with glutamic acid.
Molecular consequence: missense variant.
Genome position (GRCh38, 1-based): chr4:125,479,850, A>G. VCF-style: chr4-125479850-A-G. GRCh37 (hg19) VCF-style: chr4-126401005-A-G.
Other names: c.12589A>G, p.Lys4197Glu (NM_001291285.3); c.12583A>G, p.Lys4195Glu (NM_024582.6); short protein forms K4195E, K4197E.
Identifiers: ClinVar variation 2144526 (VCV002144526.2), dbSNP rs763571237, ClinGen allele CA3074142.

ClinVar aggregate classification (germline): Uncertain significance (1 of 4 stars; one submission).

Allele frequency attached by ClinVar (database versions not stated): TOPMed below 0.00001; ExAC 0.00001; gnomAD 0.00001; gnomAD exomes 0.00002.
gnomAD v4.1: 25 of 1,589,834 alleles (0.0016%); highest among the groups gnomAD compares: Non-Finnish European, 0.0021%; no homozygotes.

Submission:

Labcorp Genetics (formerly Invitae), Labcorp
Classification: Uncertain significance. Last evaluated: 2022-06-09. Review status: criteria provided, single submitter. Criteria: Invitae Variant Classification Sherloc (09022015). Collection method: clinical testing. Allele origin: germline.
Comment: In summary, the available evidence is currently insufficient to determine the role of this variant in disease. Therefore, it has been classified as a Variant of Uncertain Significance. Advanced modeling of protein sequence and biophysical properties (such as structural, functional, and spatial information, amino acid conservation, physicochemical variation, residue mobility, and thermodynamic stability) performed at Invitae indicates that this missense variant is not expected to disrupt FAT4 protein function. This variant has not been reported in the literature in individuals affected with FAT4-related conditions. This variant is present in population databases (rs763571237, gnomAD 0.003%). This sequence change replaces lysine, which is basic and polar, with glutamic acid, which is acidic and polar, at codon 4195 of the FAT4 protein (p.Lys4195Glu).